The following is an entry in ClinVar:

NM_001012614.2(CTBP1):c.286A>G (p.Ile96Val)

Gene: CTBP1 (C-terminal binding protein 1; minus strand). Cytogenetic location: 4p16.3.
Variant type: single nucleotide variant.
Coding change: c.286A>G on transcript NM_001012614.2 (MANE Select); coding-DNA position 286, A replaced by G.
Protein change: p.Ile96Val; replaces isoleucine 96 with valine.
Molecular consequence: missense variant.
Genome position (GRCh38, 1-based): chr4:1,228,220, T>C on the plus strand (A>G on the coding strand, the complement: CTBP1 is on the minus strand). VCF-style: chr4-1228220-T-C. GRCh37 (hg19) VCF-style: chr4-1222008-T-C.
Other names: c.286A>G, p.Ile96Val (NM_001377190.1, NM_001377191.1, NM_001377192.1 and 4 more transcripts); c.319A>G, p.Ile107Val (NM_001328.3, NM_001377186.1); short protein forms I96V, I107V.
Identifiers: ClinVar variation 931404 (VCV000931404.3), dbSNP rs1013197831, ClinGen allele CA91173913.

ClinVar aggregate classification (germline): Uncertain significance (1 of 4 stars; one submission).

Conditions:
Hypotonia, ataxia, developmental delay, and tooth enamel defect syndrome. Identifiers: MedGen C4693578, MONDO:0060666, OMIM 617915.

Allele frequency attached by ClinVar (database versions not stated): gnomAD exomes below 0.00001; gnomAD 0.00001.
gnomAD v4.1: 3 of 1,614,020 alleles (0.00019%); highest among the groups gnomAD compares: African/African-American, 0.0027%; no homozygotes.

Submission:

Centre for Mendelian Genomics, University Medical Centre Ljubljana
Classification: Uncertain significance for Hypotonia, ataxia, developmental delay, and tooth enamel defect syndrome. Last evaluated: 2019-04-17. Review status: criteria provided, single submitter. Criteria: ACMG Guidelines, 2015. Collection method: clinical testing. Allele origin: unknown. Affected: yes.
Comment: This variant was classified as: Uncertain significance. The available evidence on this variant's pathogenicity is insufficient or conflicting. The following ACMG criteria were applied in classifying this variant: PM2.